The following is an entry in ClinVar:

NM_022829.6(SLC13A3):c.523G>A (p.Glu175Lys)

Gene: SLC13A3 (solute carrier family 13 member 3; minus strand). Cytogenetic location: 20q13.12.
Variant type: single nucleotide variant.
Coding change: c.523G>A on transcript NM_022829.6 (MANE Select); coding-DNA position 523, G replaced by A.
Protein change: p.Glu175Lys; replaces glutamic acid 175 with lysine.
Molecular consequence: missense variant.
Genome position (GRCh38, 1-based): chr20:46,610,464, C>T on the plus strand (G>A on the coding strand, the complement: SLC13A3 is on the minus strand). VCF-style: chr20-46610464-C-T. GRCh37 (hg19) VCF-style: chr20-45239103-C-T.
Other names: c.382G>A, p.Glu128Lys (NM_001011554.3, NM_001193340.2); c.523G>A, p.Glu175Lys (NM_001193339.2); c.229G>A, p.Glu77Lys (NM_001193342.2); c.523G>A (NM_022829.5); short protein forms E128K, E175K, E77K.
Identifiers: ClinVar variation 2183233 (VCV002183233.5), dbSNP rs1376580474, ClinGen allele CA409268191.

ClinVar aggregate classification (germline): Uncertain significance. Review status: criteria provided, multiple submitters, no conflicts (2 of 4 stars). 2 submissions from 2 submitters: Uncertain significance (2). Last evaluated 2025-03-26.

Allele frequency attached by ClinVar (database versions not stated): gnomAD exomes below 0.00001; TOPMed below 0.00001.
gnomAD v4.1: 2 of 1,613,700 alleles (0.00012%); highest among the groups gnomAD compares: Admixed American, 0.0033%; no homozygotes.

Submissions (2):

Ambry Genetics
Classification: Uncertain significance. Last evaluated: 2025-03-26. Review status: criteria provided, single submitter. Criteria: Ambry Variant Classification Scheme 2023. Collection method: clinical testing. Allele origin: germline.

Labcorp Genetics (formerly Invitae), Labcorp
Classification: Uncertain significance. Last evaluated: 2023-10-03. Review status: criteria provided, single submitter. Criteria: Invitae Variant Classification Sherloc (09022015). Collection method: clinical testing. Allele origin: germline.
Comment: This sequence change replaces glutamic acid, which is acidic and polar, with lysine, which is basic and polar, at codon 175 of the SLC13A3 protein (p.Glu175Lys). This variant is present in population databases (no rsID available, gnomAD 0.006%). This variant has not been reported in the literature in individuals affected with SLC13A3-related conditions. ClinVar contains an entry for this variant (Variation ID: 2183233). An algorithm developed to predict the effect of missense changes on protein structure and function (PolyPhen-2) suggests that this variant is likely to be tolerated. In summary, the available evidence is currently insufficient to determine the role of this variant in disease. Therefore, it has been classified as a Variant of Uncertain Significance.